The following is an entry in ClinVar:

NM_001103.4(ACTN2):c.1841T>C (p.Val614Ala)

Gene: ACTN2 (actinin alpha 2; plus strand). Cytogenetic location: 1q43.
Variant type: single nucleotide variant.
Coding change: c.1841T>C on transcript NM_001103.4 (MANE Select); coding-DNA position 1841, T replaced by C.
Protein change: p.Val614Ala; replaces valine 614 with alanine.
Molecular consequence: missense variant. On other transcripts: non-coding transcript variant (1).
Genome position (GRCh38, 1-based): chr1:236,753,948, T>C. VCF-style: chr1-236753948-T-C. GRCh37 (hg19) VCF-style: chr1-236917248-T-C.
Other names: c.1841T>C (NM_001103.2); c.1841T>C, p.Val614Ala (NM_001278343.2); c.1217T>C, p.Val406Ala (NM_001278344.2); c.1091T>C, p.Val364Ala (NM_001412150.1); short protein forms V406A, V364A, V614A.
Identifiers: ClinVar variation 2949660 (VCV002949660.3), dbSNP rs1450696609, ClinGen allele CA345386646.

ClinVar aggregate classification (germline): Uncertain significance. Review status: criteria provided, multiple submitters, no conflicts (2 of 4 stars). 2 submissions from 2 submitters: Uncertain significance (2). Last evaluated 2024-09-05.

Conditions:
Cardiovascular phenotype. Identifiers: MedGen CN230736.
Primary familial hypertrophic cardiomyopathy (HCM). Identifiers: Orphanet 99739, MedGen C0949658, MeSH D024741, MONDO:0024573. Inheritance: Various modes of inheritance.
Dilated cardiomyopathy 1AA (CMD1AA). Also called: CARDIOMYOPATHY, DILATED, 1AA, WITH OR WITHOUT LEFT VENTRICULAR NONCOMPACTION; CARDIOMYOPATHY, FAMILIAL HYPERTROPHIC, 23, WITH OR WITHOUT LEFT VENTRICULAR NONCOMPACTION; Cardiomyopathy, dilated, 1AA, with or without LVNC. Identifiers: Orphanet 154, MedGen C2677338, MONDO:0012808, OMIM 612158.

Allele frequency attached by ClinVar (database versions not stated): gnomAD exomes 0.00001.
gnomAD v4.1: 7 of 1,609,444 alleles (0.00043%); highest among the groups gnomAD compares: Non-Finnish European, 0.00059%; no homozygotes.

Submissions (2):

Labcorp Genetics (formerly Invitae), Labcorp
Classification: Uncertain significance for Primary familial hypertrophic cardiomyopathy; Dilated cardiomyopathy 1AA. Last evaluated: 2024-09-05. Review status: criteria provided, single submitter. Criteria: Invitae Variant Classification Sherloc (09022015). Collection method: clinical testing. Allele origin: germline.
Comment: This sequence change replaces valine, which is neutral and non-polar, with alanine, which is neutral and non-polar, at codon 614 of the ACTN2 protein (p.Val614Ala). This variant is present in population databases (no rsID available, gnomAD 0.0009%). This variant has not been reported in the literature in individuals affected with ACTN2-related conditions. An algorithm developed to predict the effect of missense changes on protein structure and function (PolyPhen-2) suggests that this variant is likely to be disruptive. In summary, the available evidence is currently insufficient to determine the role of this variant in disease. Therefore, it has been classified as a Variant of Uncertain Significance.

Ambry Genetics
Classification: Uncertain significance for Cardiovascular phenotype. Last evaluated: 2024-01-24. Review status: criteria provided, single submitter. Criteria: Ambry Variant Classification Scheme 2023. Collection method: clinical testing. Allele origin: germline.
Comment: The p.V614A variant (also known as c.1841T>C), located in coding exon 16 of the ACTN2 gene, results from a T to C substitution at nucleotide position 1841. The valine at codon 614 is replaced by alanine, an amino acid with similar properties. This amino acid position is well conserved in available vertebrate species. In addition, this alteration is predicted to be deleterious by in silico analysis. Based on the available evidence, the clinical significance of this alteration remains unclear.